The following is an entry in ClinVar:

NM_000548.5(TSC2):c.1743C>G (p.Ser581Arg)

Gene: TSC2 (TSC complex subunit 2; plus strand). Cytogenetic location: 16p13.3.
Variant type: single nucleotide variant.
Coding change: c.1743C>G on transcript NM_000548.5 (MANE Select); coding-DNA position 1743, C replaced by G.
Protein change: p.Ser581Arg; replaces serine 581 with arginine.
Molecular consequence: missense variant.
Genome position (GRCh38, 1-based): chr16:2,070,482, C>G. VCF-style: chr16-2070482-C-G. GRCh37 (hg19) VCF-style: chr16-2120483-C-G.
Other names: c.1743C>G, p.Ser581Arg (NM_001077183.3, NM_001114382.3, NM_001363528.2 and 6 more transcripts); c.1632C>G, p.Ser544Arg (NM_001318827.2, NM_001406670.1, NM_001406678.1); c.1596C>G, p.Ser532Arg (NM_001318829.2, NM_001406675.1, NM_001406676.1 and 1 more transcripts); c.1143C>G, p.Ser381Arg (NM_001318831.2, NM_001406680.1, NM_001406682.1 and 6 more transcripts); c.1776C>G, p.Ser592Arg (NM_001318832.2); c.1833C>G, p.Ser611Arg (NM_001406667.1, NM_001406668.1); c.1731C>G, p.Ser577Arg (NM_001406671.1, NM_001406673.1); c.1686C>G, p.Ser562Arg (NM_001406677.1); and 3 more; short protein forms S577R, S427R, S532R, S562R, S133R, S381R, S544R, S581R.
Identifiers: ClinVar variation 1779235 (VCV001779235.4), dbSNP rs775195398, ClinGen allele CA394272756.

ClinVar aggregate classification (germline): Uncertain significance. Review status: criteria provided, multiple submitters, no conflicts (2 of 4 stars). 2 submissions from 2 submitters: Uncertain significance (2). Last evaluated 2025-11-21.

Conditions:
Hereditary cancer-predisposing syndrome. Also called: Neoplastic Syndromes, Hereditary; Tumor predisposition; Hereditary Cancer Syndrome; Hereditary neoplastic syndrome. Identifiers: Orphanet 140162, MedGen C0027672, MeSH D009386, MONDO:0015356.

Submissions (2):

Ambry Genetics
Classification: Uncertain significance for Hereditary cancer-predisposing syndrome. Last evaluated: 2025-11-21. Review status: criteria provided, single submitter. Criteria: Ambry Variant Classification Scheme 2023. Collection method: clinical testing. Allele origin: germline.
Comment: The p.S581R variant (also known as c.1743C>G), located in coding exon 16 of the TSC2 gene, results from a C to G substitution at nucleotide position 1743. The serine at codon 581 is replaced by arginine, an amino acid with dissimilar properties. This amino acid position is well conserved in available vertebrate species. In addition, this alteration is predicted to be deleterious by in silico analysis. Based on the available evidence, the clinical significance of this variant remains unclear.

GeneDx
Classification: Uncertain significance. Last evaluated: 2023-02-23. Review status: criteria provided, single submitter. Criteria: GeneDx Variant Classification Process June 2021. Collection method: clinical testing. Allele origin: germline. Affected: yes.
Comment: Not observed at significant frequency in large population cohorts (gnomAD); In silico analysis supports that this missense variant has a deleterious effect on protein structure/function; Has not been previously published as pathogenic or benign to our knowledge